The following is an entry in ClinVar:

ClinVar aggregate classification (germline): Benign. Review status: criteria provided, multiple submitters, no conflicts (2 of 4 stars). 3 submissions from 3 submitters: Benign (3). Last evaluated 2026-01-26.

Allele frequency attached by ClinVar (database versions not stated): 1000 Genomes Project 0.63598; 1000 Genomes Project 30x 0.64522; gnomAD exomes 0.66847; gnomAD 0.67068 and 0.67648; TOPMed 0.67510.

Submissions (3):

Labcorp Genetics (formerly Invitae), Labcorp
Classification: Benign. Last evaluated: 2026-01-26. Review status: criteria provided, single submitter. Criteria: Invitae Variant Classification Sherloc (09022015). Collection method: clinical testing. Allele origin: germline.

GeneDx
Classification: Benign. Last evaluated: 2018-10-16. Review status: criteria provided, single submitter. Criteria: GeneDx Variant Classification Process June 2021. Collection method: clinical testing. Allele origin: germline. Affected: yes.
Comment: This variant is associated with the following publications: (PMID: 27245877, 26635116, 12392760, 18308831)

Breakthrough Genomics
Classification: Benign. Review status: criteria provided, single submitter. Criteria: ACMG Guidelines, 2015. Collection method: not provided. Allele origin: germline. Inheritance: Autosomal recessive inheritance. Affected: yes.

NC_000011.10:g.102955810C>T

Genes: MMP13 (matrix metallopeptidase 13; minus strand), LOC126861318 (BRD4-independent group 4 enhancer GRCh37_chr11:102825894-102827093; plus strand). Cytogenetic location: 11q22.2.
Variant type: single nucleotide variant.
Genome position: GRCh38 VCF-style: chr11-102955810-C-T. GRCh37 (hg19) VCF-style: chr11-102826539-C-T.
Identifiers: ClinVar variation 1166185 (VCV001166185.12), dbSNP rs2252070, ClinGen allele CA13427637.
Genomic context (GRCh38, chr11:102,955,810, plus strand): 5'-ACCTTTACTTTTATAGGCCTGCAATGGTGAGTCATCACTTATGGATAGGTTTCCACTTCC[C>T]AGTCACTTGAAGGTAAACATGCTTACGTGGCGACTTTTTCTTTTCCCTCCCGAGTGTGGT-3'